The following is an entry in ClinVar:

ClinVar aggregate classification (germline): Likely pathogenic (1 of 4 stars; one submission).

Conditions:
Dilated cardiomyopathy 1G (CMD1G). Identifiers: Orphanet 154, MedGen C1858763, MONDO:0011400, OMIM 604145.
Autosomal recessive limb-girdle muscular dystrophy type 2J (LGMDR10). Also called: MUSCULAR DYSTROPHY, LIMB-GIRDLE, AUTOSOMAL RECESSIVE 10; Limb-girdle muscular dystrophy, type 2J. Identifiers: Orphanet 140922, MedGen C1837342, MONDO:0012127, OMIM 608807.

Submission:

Labcorp Genetics (formerly Invitae), Labcorp
Classification: Likely pathogenic for Dilated cardiomyopathy 1G; Autosomal recessive limb-girdle muscular dystrophy type 2J. Last evaluated: 2024-04-08. Review status: criteria provided, single submitter. Criteria: Invitae Variant Classification Sherloc (09022015). Collection method: clinical testing. Allele origin: germline.
Comment: This sequence change creates a premature translational stop signal (p.Phe24145*) in the TTN gene. While this is not anticipated to result in nonsense mediated decay, it is expected to create a truncated TTN protein. This variant is not present in population databases (gnomAD no frequency). This variant has not been reported in the literature in individuals affected with TTN-related conditions. ClinVar contains an entry for this variant (Variation ID: 945958). This variant is located in the A band of TTN (PMID: 25589632). Truncating variants in this region are significantly overrepresented in patients affected with dilated cardiomyopathy (PMID: 25589632). Truncating variants in this region have also been reported in individuals affected with autosomal recessive centronuclear myopathy (PMID: 23975875). In summary, the currently available evidence indicates that the variant is pathogenic, but additional data are needed to prove that conclusively. Therefore, this variant has been classified as Likely Pathogenic.

Literature cited by the submitters: PubMed 25589632; PubMed 23975875.

NM_001267550.2(TTN):c.72433_72434insGA (p.Phe24145Ter)

Genes: TTN-AS1 (TTN antisense RNA 1; plus strand), TTN (titin; minus strand). Cytogenetic location: 2q31.2.
Variant type: Insertion.
Coding change: c.72433_72434insGA on transcript NM_001267550.2 (MANE Select); coding-DNA positions 72433 to 72434, GA inserted.
Protein change: p.Phe24145Ter; replaces phenylalanine 24145 with a stop codon.
Molecular consequence: nonsense.
Genome position: GRCh38 VCF-style: chr2-178573698-A-ATC. GRCh37 (hg19) VCF-style: chr2-179438425-A-ATC.
Other names: c.67510_67511insGA, p.Phe22504Ter (NM_001256850.1); c.45238_45239insGA, p.Phe15080Ter (NM_003319.4); c.64729_64730insGA, p.Phe21577Ter (NM_133378.4); c.45613_45614insGA, p.Phe15205Ter (NM_133432.3); c.45814_45815insGA, p.Phe15272Ter (NM_133437.4); short protein forms F15205*, F15272*, F15080*, F22504*, F24145*, F21577*.
Identifiers: ClinVar variation 945958 (VCV000945958.10), dbSNP rs1709055431, ClinGen allele CA1139657507.